The following is an entry in ClinVar:

NM_001042492.3(NF1):c.3198-12_3198-4del

Gene: NF1 (neurofibromin 1; plus strand). Cytogenetic location: 17q11.2.
Variant type: Deletion.
Coding change: c.3198-12_3198-4del on transcript NM_001042492.3 (MANE Select); 12 bases into the intron before coding-DNA position 3198 through 4 bases into the intron before coding-DNA position 3198, 9 bases deleted (TTTTTTTTT; older notation c.3198-12_3198-4delTTTTTTTTT).
Molecular consequence: intron variant.
Genome position (GRCh38, 1-based): chr17:31,232,061-31,232,069, TTTTTTTTT deleted; deleting any 9 consecutive bases within chr17:31,232,044-31,232,069 gives the same sequence; the c. name uses the placement nearest the transcript's 3' end. VCF-style (leftmost placement, unchanged base first): chr17-31232043-ATTTTTTTTT-A. GRCh37 (hg19) VCF-style: chr17-29559061-ATTTTTTTTT-A.
Other names: c.3198-12_3198-4del (NM_000267.4).
Identifiers: ClinVar variation 3341696 (VCV003341696.16).

ClinVar aggregate classification (germline): Likely benign (1 of 4 stars; one submission).

Submission:

CeGaT Center for Human Genetics Tuebingen
Classification: Likely benign. Last evaluated: 2024-08-01. Review status: criteria provided, single submitter. Criteria: CeGaT Center For Human Genetics Tuebingen Variant Classification Criteria Version 2. Collection method: clinical testing. Allele origin: germline. Affected: yes. Observed: 1 variant allele.
Comment: NF1: BP4, BS1